The following is an entry in ClinVar:

NM_138615.3(DHX30):c.2266C>T (p.Arg756Cys)

Gene: DHX30 (DExH-box helicase 30; plus strand). Cytogenetic location: 3p21.31.
Variant type: single nucleotide variant.
Coding change: c.2266C>T on transcript NM_138615.3 (MANE Select); coding-DNA position 2266, C replaced by T.
Protein change: p.Arg756Cys; replaces arginine 756 with cysteine.
Molecular consequence: missense variant.
Genome position (GRCh38, 1-based): chr3:47,847,936, C>T. VCF-style: chr3-47847936-C-T. GRCh37 (hg19) VCF-style: chr3-47889426-C-T.
Other names: c.2182C>T, p.Arg728Cys (NM_001330990.2); c.2149C>T, p.Arg717Cys (NM_014966.4); short protein forms R717C, R728C, R756C.
Identifiers: ClinVar variation 2574522 (VCV002574522.1), dbSNP rs760564997, ClinGen allele CA352589955.

ClinVar aggregate classification (germline): Uncertain significance (1 of 4 stars; one submission).

Submission:

GeneDx
Classification: Uncertain significance. Last evaluated: 2023-01-30. Review status: criteria provided, single submitter. Criteria: GeneDx Variant Classification Process June 2021. Collection method: clinical testing. Allele origin: germline. Affected: yes.
Comment: Not observed at significant frequency in large population cohorts (gnomAD); In silico analysis supports that this missense variant has a deleterious effect on protein structure/function; Has not been previously published as pathogenic or benign to our knowledge